The following is an entry in ClinVar:

ClinVar aggregate classification (germline): Likely benign (1 of 4 stars; one submission).

Conditions:
DCTN1-related disorder. Also called: DCTN1-related condition.

gnomAD v4.1: 7 of 1,613,460 alleles (0.00043%); highest among the groups gnomAD compares: Admixed American, 0.0083%; no homozygotes.

Submission:

PreventionGenetics, part of Exact Sciences
Classification: Likely benign for DCTN1-related condition. Last evaluated: 2025-12-05. Review status: criteria provided, single submitter. Criteria: ACMG Guidelines, 2015. Collection method: clinical testing. Allele origin: germline.
Comment: This variant is classified as likely benign based on ACMG/AMP sequence variant interpretation guidelines (Richards et al. 2015 PMID: 25741868, with internal and published modifications).

NM_004082.5(DCTN1):c.3699+6G>T

Gene: DCTN1 (dynactin subunit 1; minus strand). Cytogenetic location: 2p13.1.
Variant type: single nucleotide variant.
Coding change: c.3699+6G>T on transcript NM_004082.5 (MANE Select); 6 bases into the intron after coding-DNA position 3699, G replaced by T.
Molecular consequence: intron variant.
Genome position (GRCh38, 1-based): chr2:74,362,046, C>A on the plus strand (G>T on the coding strand, the complement: DCTN1 is on the minus strand). VCF-style: chr2-74362046-C-A. GRCh37 (hg19) VCF-style: chr2-74589173-C-A.
Other names: c.3573+6G>T (NM_001190836.2); c.3630+6G>T (NM_001378992.1); c.3648+6G>T (NM_001378991.1); c.3624+6G>T (NM_001135040.3); c.3678+6G>T (NM_001190837.2); c.3282+6G>T (NM_001135041.3); c.3297+6G>T (NM_023019.4).
Identifiers: ClinVar variation 4990190 (VCV004990190.1).